The following is an entry in ClinVar:

NM_001366521.1(ATP2B1):c.1274C>A (p.Thr425Lys)

Gene: ATP2B1 (ATPase plasma membrane Ca2+ transporting 1; minus strand). Cytogenetic location: 12q21.33.
Variant type: single nucleotide variant.
Coding change: c.1274C>A on transcript NM_001366521.1 (MANE Select); coding-DNA position 1274, C replaced by A.
Protein change: p.Thr425Lys; replaces threonine 425 with lysine.
Molecular consequence: missense variant.
Genome position (GRCh38, 1-based): chr12:89,624,253, G>T on the plus strand (C>A on the coding strand, the complement: ATP2B1 is on the minus strand). VCF-style: chr12-89624253-G-T. GRCh37 (hg19) VCF-style: chr12-90018030-G-T.
Other names: c.1274C>A, p.Thr425Lys (NM_001001323.2, NM_001366520.1, NM_001366522.1 and 8 more transcripts); c.1076C>A, p.Thr359Lys (NM_001366530.1); c.713C>A, p.Thr238Lys (NM_001366531.1, NM_001366532.1); short protein forms T238K, T359K, T425K.
Identifiers: ClinVar variation 1679161 (VCV001679161.4), dbSNP rs2136106360, ClinGen allele CA386125927.

ClinVar aggregate classification (germline): Likely pathogenic. Review status: criteria provided, single submitter (1 of 4 stars). 2 submissions from 2 submitters: Likely pathogenic (1). 1 of the submissions does not count toward it. Last evaluated 2022-04-11.

Conditions:
Intellectual developmental disorder, autosomal dominant 66. Also called: MENTAL RETARDATION, AUTOSOMAL DOMINANT 66. Identifiers: MedGen C5677000, MONDO:0030891, OMIM 619910.
Neurodevelopmental disorder. Identifiers: MedGen C1535926, MeSH D065886, MONDO:0700092.

Submissions (2):

Institute of Human Genetics, University of Leipzig Medical Center
Classification: Likely pathogenic for Neurodevelopmental disorder. Last evaluated: 2022-04-11. Review status: criteria provided, single submitter. Criteria: ACMG Guidelines, 2015. Collection method: clinical testing. Allele origin: de novo. Affected: yes.
Comment: This variant was identified as de novo (maternity and paternity confirmed)._x000D_ Criteria applied: PS2_MOD, PS3_SUP, PM1_MOD, PM2_SUP, PP2, PP3

OMIM
Classification: Pathogenic for INTELLECTUAL DEVELOPMENTAL DISORDER, AUTOSOMAL DOMINANT 66. Last evaluated: 2026-01-31. Review status: no assertion criteria provided. Collection method: literature only. Allele origin: germline. Not counted in ClinVar's aggregate classification.

Literature cited by the submitters: PubMed 35358416 (cited by Institute of Human Genetics, University of Leipzig Medical Center); PubMed 41223852 (cited by OMIM).